The following is an entry in ClinVar:

ClinVar aggregate classification (germline): Uncertain significance (1 of 4 stars; one submission).

Conditions:
Telangiectasia, hereditary hemorrhagic, type 1 (HHT1). Also called: Osler Weber Rendu syndrome type 1; ENG-Related Hereditary Hemorrhagic Telangiectasia. Identifiers: Orphanet 774, MedGen C4551861, MONDO:0008535, OMIM 187300. Disease mechanism: loss of function.

Submission:

Impact Genetics, Dynacare/LabCorp
Classification: Uncertain significance for Telangiectasia, hereditary hemorrhagic, type 1. Last evaluated: 2023-04-05. Review status: criteria provided, single submitter. Criteria: DeMille et al. (Hum Mutat. 2024). Collection method: clinical testing. Allele origin: germline.
Comment: PM2_supporting

NM_001114753.3(ENG):c.1112T>G (p.Val371Gly)

Gene: ENG (endoglin; minus strand). Cytogenetic location: 9q34.11.
Variant type: single nucleotide variant.
Coding change: c.1112T>G on transcript NM_001114753.3 (MANE Select); coding-DNA position 1112, T replaced by G.
Protein change: p.Val371Gly; replaces valine 371 with glycine.
Molecular consequence: missense variant.
Genome position (GRCh38, 1-based): chr9:127,824,326, A>C on the plus strand (T>G on the coding strand, the complement: ENG is on the minus strand). VCF-style: chr9-127824326-A-C. GRCh37 (hg19) VCF-style: chr9-130586605-A-C.
Other names: c.1112T>G, p.Val371Gly (NM_000118.4, NM_001406715.1); c.566T>G, p.Val189Gly (NM_001278138.2); short protein forms V189G, V371G.
Identifiers: ClinVar variation 4082247 (VCV004082247.1).